The following is an entry in ClinVar:

NM_001385079.1(PDE10A):c.946G>T (p.Ala316Ser)

Gene: PDE10A (phosphodiesterase 10A; minus strand). Cytogenetic location: 6q27.
Variant type: single nucleotide variant.
Coding change: c.946G>T on transcript NM_001385079.1 (MANE Select); coding-DNA position 946, G replaced by T.
Protein change: p.Ala316Ser; replaces alanine 316 with serine.
Molecular consequence: missense variant.
Genome position (GRCh38, 1-based): chr6:165,543,488, C>A on the plus strand (G>T on the coding strand, the complement: PDE10A is on the minus strand). VCF-style: chr6-165543488-C-A. GRCh37 (hg19) VCF-style: chr6-165956976-C-A.
Other names: c.148G>T, p.Ala50Ser (NM_001130690.3); c.118G>T, p.Ala40Ser (NM_006661.4); short protein forms A316S, A40S, A50S.
Identifiers: ClinVar variation 3702262 (VCV003702262.2).

ClinVar aggregate classification (germline): Uncertain significance (1 of 4 stars; one submission).

gnomAD v4.1: 2 of 1,612,476 alleles (0.00012%); highest among the groups gnomAD compares: African/African-American, 0.0013%; no homozygotes.

Submission:

Labcorp Genetics (formerly Invitae), Labcorp
Classification: Uncertain significance. Last evaluated: 2024-04-13. Review status: criteria provided, single submitter. Criteria: Invitae Variant Classification Sherloc (09022015). Collection method: clinical testing. Allele origin: germline.
Comment: This sequence change replaces alanine, which is neutral and non-polar, with serine, which is neutral and polar, at codon 50 of the PDE10A protein (p.Ala50Ser). This variant is not present in population databases (gnomAD no frequency). This variant has not been reported in the literature in individuals affected with PDE10A-related conditions. An algorithm developed to predict the effect of missense changes on protein structure and function (PolyPhen-2) suggests that this variant is likely to be tolerated. In summary, the available evidence is currently insufficient to determine the role of this variant in disease. Therefore, it has been classified as a Variant of Uncertain Significance.